The following is an entry in ClinVar:

ClinVar aggregate classification (germline): Conflicting classifications of pathogenicity. Review status: criteria provided, conflicting classifications (1 of 4 stars). 6 submissions from 6 submitters: Uncertain significance (5); Likely benign (1). Last evaluated 2025-05-16.

Conditions:
BRCA2-related cancer predisposition. Identifiers: MedGen CN377758, MONDO:0700269.
Hereditary cancer-predisposing syndrome. Also called: Neoplastic Syndromes, Hereditary; Tumor predisposition; Hereditary Cancer Syndrome; Hereditary neoplastic syndrome. Identifiers: Orphanet 140162, MedGen C0027672, MeSH D009386, MONDO:0015356.
Hereditary breast ovarian cancer syndrome. Also called: Hereditary breast and ovarian cancer; Hereditary breast and/or ovarian cancer syndrome; BRCA1- and BRCA2-Associated Hereditary Breast and Ovarian Cancer; Hereditary breast and ovarian cancer syndrome (HBOC); Hereditary breast and ovarian cancer syndrome; Breast and ovarian cancer. Identifiers: Orphanet 145, MedGen C0677776, MeSH D061325, MONDO:0003582. Disease mechanism: loss of function.

Allele frequency attached by ClinVar (database versions not stated): gnomAD exomes below 0.00001; ExAC 0.00001.
gnomAD v4.1: 1 of 1,614,082 alleles (0.000062%); highest among the groups gnomAD compares: Non-Finnish European, 0.000085%; no homozygotes.

Submissions (6):

Ambry Genetics
Classification: Likely benign for Hereditary cancer-predisposing syndrome. Last evaluated: 2025-05-16. Review status: criteria provided, single submitter. Criteria: Ambry Variant Classification Scheme 2023. Collection method: clinical testing. Allele origin: germline.

All of Us Research Program, National Institutes of Health
Classification: Uncertain significance for BRCA2-related cancer predisposition. Last evaluated: 2024-09-23. Review status: criteria provided, single submitter. Criteria: ACMG Guidelines, 2015. Collection method: clinical testing. Allele origin: germline. Inheritance: Autosomal dominant inheritance. Observed: 2 variant alleles, 2 heterozygotes.
Comment: This missense variant replaces phenylalanine with leucine at codon 3057 of the BRCA2 protein. Computational prediction is inconclusive regarding the impact of this variant on protein structure and function (internally defined REVEL score threshold 0.5 < inconclusive < 0.7, PMID: 27666373). To our knowledge, functional studies have not been reported for this variant. This variant has been reported in an individual affected with breast and/or ovarian cancer (PMID: 32438681). This variant has been identified in 1/251288 chromosomes in the general population by the Genome Aggregation Database (gnomAD). The available evidence is insufficient to determine the role of this variant in disease conclusively. Therefore, this variant is classified as a Variant of Uncertain Significance.

This study involves interpretation of variants in research participants for the purpose of population health screening. Participant phenotype was not available at the time of variant classification. Additional details can be found in publication PMID: 35346344, PMCID: PMC8962531

Color Diagnostics, LLC DBA Color Health
Classification: Uncertain significance for Hereditary cancer-predisposing syndrome. Last evaluated: 2024-04-09. Review status: criteria provided, single submitter. Criteria: ACMG Guidelines, 2015. Collection method: clinical testing. Allele origin: germline.
Comment: This missense variant replaces phenylalanine with leucine at codon 3057 of the BRCA2 protein. Computational prediction is inconclusive regarding the impact of this variant on protein structure and function. To our knowledge, functional studies have not been reported for this variant. This variant has been reported in an individual affected with breast and/or ovarian cancer (PMID: 32438681). This variant has been identified in 1/251288 chromosomes in the general population by the Genome Aggregation Database (gnomAD). The available evidence is insufficient to determine the role of this variant in disease conclusively. Therefore, this variant is classified as a Variant of Uncertain Significance.

Labcorp Genetics (formerly Invitae), Labcorp
Classification: Uncertain significance for Hereditary breast ovarian cancer syndrome. Last evaluated: 2024-04-05. Review status: criteria provided, single submitter. Criteria: Invitae Variant Classification Sherloc (09022015). Collection method: clinical testing. Allele origin: germline.
Comment: This sequence change replaces phenylalanine, which is neutral and non-polar, with leucine, which is neutral and non-polar, at codon 3057 of the BRCA2 protein (p.Phe3057Leu). This variant is present in population databases (rs747615055, gnomAD 0.0009%). This missense change has been observed in individual(s) with breast and/or ovarian cancer (PMID: 32438681). ClinVar contains an entry for this variant (Variation ID: 186525). Advanced modeling of protein sequence and biophysical properties (such as structural, functional, and spatial information, amino acid conservation, physicochemical variation, residue mobility, and thermodynamic stability) performed at Invitae indicates that this missense variant is not expected to disrupt BRCA2 protein function with a negative predictive value of 95%. In summary, the available evidence is currently insufficient to determine the role of this variant in disease. Therefore, it has been classified as a Variant of Uncertain Significance.

Quest Diagnostics Nichols Institute San Juan Capistrano
Classification: Uncertain significance. Last evaluated: 2023-08-03. Review status: criteria provided, single submitter. Criteria: Quest Diagnostics criteria. Collection method: clinical testing. Allele origin: unknown.
Comment: In the published literature, this variant has been reported in an individual with breast and/or ovarian cancer (PMID: 32438681 (2020)). The frequency of this variant in the general population, 0.000004 (1/251288 chromosomes (Genome Aggregation Database)), is uninformative in the assessment of its pathogenicity. Analysis of this variant using bioinformatics tools for the prediction of the effect of amino acid changes on protein structure and function yielded conflicting predictions that this variant is benign or damaging. Based on the available information, we are unable to determine the clinical significance of this variant.

GeneDx
Classification: Uncertain significance. Last evaluated: 2022-12-22. Review status: criteria provided, single submitter. Criteria: GeneDx Variant Classification Process June 2021. Collection method: clinical testing. Allele origin: germline. Affected: yes.
Comment: Observed in individuals with breast and/or ovarian cancer (Santonocito et al., 2020); In silico analysis supports that this missense variant does not alter protein structure/function; Not observed at significant frequency in large population cohorts (gnomAD); Also known as 9399C>G; This variant is associated with the following publications: (PMID: 32377563, 32438681, 12228710, 29884841)

Literature cited by the submitters: PubMed 32438681 (cited by 4 submitters).

NM_000059.4(BRCA2):c.9171C>G (p.Phe3057Leu)

Gene: BRCA2 (BRCA2 DNA repair associated; plus strand). Cytogenetic location: 13q13.1.
Variant type: single nucleotide variant.
Coding change: c.9171C>G on transcript NM_000059.4 (MANE Select); coding-DNA position 9171, C replaced by G.
Protein change: p.Phe3057Leu; replaces phenylalanine 3057 with leucine.
Molecular consequence: missense variant.
Genome position (GRCh38, 1-based): chr13:32,380,060, C>G. VCF-style: chr13-32380060-C-G. GRCh37 (hg19) VCF-style: chr13-32954197-C-G.
Other names: short protein forms F3057L.
Identifiers: ClinVar variation 186525 (VCV000186525.25), dbSNP rs747615055, ClinGen allele CA026014.
Genomic context (GRCh38, chr13:32,380,060, plus strand): 5'-TCTGTAGGTTTCAGATGAAATTTTATTTCAGATTTACCAGCCACGGGAGCCCCTTCACTT[C>G]AGCAAATTTTTAGATCCAGACTTTCAGCCATCTTGTTCTGAGGTGGACCTAATAGGATTT-3'
Protein context (NP_000050.3, residues 3047-3067): QIYQPREPLH[Phe3057Leu]SKFLDPDFQP